The following is an entry in ClinVar:

NM_005732.4(RAD50):c.1718A>C (p.Lys573Thr)

Gene: RAD50 (RAD50 double strand break repair protein; plus strand). Cytogenetic location: 5q31.1.
Variant type: single nucleotide variant.
Coding change: c.1718A>C on transcript NM_005732.4 (MANE Select); coding-DNA position 1718, A replaced by C.
Protein change: p.Lys573Thr; replaces lysine 573 with threonine.
Molecular consequence: missense variant.
Genome position (GRCh38, 1-based): chr5:132,591,959, A>C. VCF-style: chr5-132591959-A-C. GRCh37 (hg19) VCF-style: chr5-131927651-A-C.
Other names: short protein forms K573T.
Identifiers: ClinVar variation 484724 (VCV000484724.5), dbSNP rs1554098481, ClinGen allele CA360946498.

ClinVar aggregate classification (germline): Uncertain significance (1 of 4 stars; one submission).

Conditions:
Hereditary cancer-predisposing syndrome. Also called: Neoplastic Syndromes, Hereditary; Tumor predisposition; Hereditary Cancer Syndrome; Hereditary neoplastic syndrome. Identifiers: Orphanet 140162, MedGen C0027672, MeSH D009386, MONDO:0015356.

Submission:

Ambry Genetics
Classification: Uncertain significance for Hereditary cancer-predisposing syndrome. Last evaluated: 2022-08-16. Review status: criteria provided, single submitter. Criteria: Ambry Variant Classification Scheme 2023. Collection method: clinical testing. Allele origin: germline.
Comment: The p.K573T variant (also known as c.1718A>C), located in coding exon 11 of the RAD50 gene, results from an A to C substitution at nucleotide position 1718. The lysine at codon 573 is replaced by threonine, an amino acid with similar properties. This amino acid position is highly conserved in available vertebrate species. In addition, the in silico prediction for this alteration is inconclusive. Since supporting evidence is limited at this time, the clinical significance of this alteration remains unclear.